The following is an entry in ClinVar:

ClinVar aggregate classification (germline): Uncertain significance (1 of 4 stars; one submission).

Conditions:
Epilepsy, childhood absence, susceptibility to, 1. Also called: Epilepsy, childhood absence 1. Identifiers: Orphanet 64280, MedGen C1838604, MONDO:0020759, OMIM 600131.
Epilepsy, childhood absence, susceptibility to, 5. Identifiers: Orphanet 64280, MedGen C2677087, MONDO:0012843, OMIM 612269.

Allele frequency attached by ClinVar (database versions not stated): ExAC 0.00003.
gnomAD v4.1: 15 of 1,613,136 alleles (0.00093%); highest among the groups gnomAD compares: South Asian, 0.015%; no homozygotes.

Submission:

Labcorp Genetics (formerly Invitae), Labcorp
Classification: Uncertain significance for Epilepsy, childhood absence, susceptibility to, 5; Epilepsy, childhood absence, susceptibility to, 1. Last evaluated: 2020-04-29. Review status: criteria provided, single submitter. Criteria: Invitae Variant Classification Sherloc (09022015). Collection method: clinical testing. Allele origin: germline.
Comment: Nucleotide substitutions within the consensus splice site are a relatively common cause of aberrant splicing (PMID: 17576681, 9536098). Algorithms developed to predict the effect of sequence changes on RNA splicing suggest that this variant may disrupt the consensus splice site, but this prediction has not been confirmed by published transcriptional studies. In summary, the available evidence is currently insufficient to determine the role of this variant in disease. Therefore, it has been classified as a Variant of Uncertain Significance. This sequence change falls in intron 7 of the GABRB3 gene. It does not directly change the encoded amino acid sequence of the GABRB3 protein, but it affects a nucleotide within the consensus splice site of the intron. This variant is present in population databases (rs374357218, ExAC 0.02%). This variant has not been reported in the literature in individuals with GABRB3-related conditions.

Literature cited by the submitters: PubMed 17576681; PubMed 9536098.

NM_000814.6(GABRB3):c.835+5G>T

Gene: GABRB3 (gamma-aminobutyric acid type A receptor subunit beta3; minus strand). Cytogenetic location: 15q12.
Variant type: single nucleotide variant.
Coding change: c.835+5G>T on transcript NM_000814.6 (MANE Select); 5 bases into the intron after coding-DNA position 835, G replaced by T.
Molecular consequence: intron variant.
Genome position (GRCh38, 1-based): chr15:26,567,576, C>A on the plus strand (G>T on the coding strand, the complement: GABRB3 is on the minus strand). VCF-style: chr15-26567576-C-A. GRCh37 (hg19) VCF-style: chr15-26812723-C-A.
Other names: c.835+5G>T (NM_021912.5); c.580+5G>T (NM_001278631.2, NM_001191320.2); c.622+5G>T (NM_001191321.3).
Identifiers: ClinVar variation 1044783 (VCV001044783.8), dbSNP rs374357218, ClinGen allele CA7437361.